The following is an entry in ClinVar:

NM_001429.4(EP300):c.7041_7046del (p.His2348_Pro2349del)

Gene: EP300 (E1A binding protein p300; plus strand). Cytogenetic location: 22q13.2.
Variant type: Deletion.
Coding change: c.7041_7046del on transcript NM_001429.4 (MANE Select); coding-DNA positions 7041 to 7046, 6 bases deleted (ACATCC; older notation c.7041_7046delACATCC).
Protein change: p.His2348_Pro2349del.
Molecular consequence: inframe deletion.
Genome position (GRCh38, 1-based): chr22:41,178,752-41,178,757, ACATCC deleted; deleting any 6 consecutive bases within chr22:41,178,750-41,178,757 gives the same sequence; the c. name uses the placement nearest the transcript's 3' end. VCF-style (leftmost placement, unchanged base first): chr22-41178749-CCCACAT-C. GRCh37 (hg19) VCF-style: chr22-41574753-CCCACAT-C.
Other names: c.6963_6968del, p.His2322_Pro2323del (NM_001362843.2).
Identifiers: ClinVar variation 1338648 (VCV001338648.4), dbSNP rs2145523559, ClinGen allele CA2573055023.

ClinVar aggregate classification (germline): Uncertain significance (1 of 4 stars; one submission).

Submission:

Genetic Services Laboratory, University of Chicago
Classification: Uncertain significance. Last evaluated: 2021-07-06. Review status: criteria provided, single submitter. Criteria: ACMG Guidelines, 2015. Collection method: clinical testing. Allele origin: germline. Affected: no.
Comment: DNA sequence analysis of the EP300 gene demonstrated a 6-base pair deletion in exon 31, c.7041_7046del. This in-frame deletion is predicted to result in the deletion of a two-amino acid residue, p.His2348_Pro2349del. This sequence change does not appear to have been previously described in individuals with EP300-related disorders. This sequence change is absent in gnomAD population database. Due to the lack of functional studies, the clinical significance of the c.7041_7046del change remains unknown at this time.